The following is an entry in ClinVar:

ClinVar aggregate classification (germline): Likely benign. Review status: criteria provided, multiple submitters, no conflicts (2 of 4 stars). 8 submissions from 8 submitters: Likely benign (8). Last evaluated 2025-12-22.

Conditions:
Inborn genetic diseases. Identifiers: MedGen C0950123, MeSH D030342.
Developmental and epileptic encephalopathy, 18 (DEE18). Also called: Early infantile epileptic encephalopathy 18. Identifiers: Orphanet 369894, MedGen C3809624, MONDO:0014201, OMIM 615476.

Allele frequency attached by ClinVar (database versions not stated): gnomAD 0.00006; ExAC 0.00007; TOPMed 0.00009.
gnomAD v4.1: 87 of 1,614,088 alleles (0.0054%); highest among the groups gnomAD compares: Middle Eastern, 0.066%; no homozygotes.

Submissions (8):

Labcorp Genetics (formerly Invitae), Labcorp
Classification: Likely benign. Last evaluated: 2025-12-22. Review status: criteria provided, single submitter. Criteria: Invitae Variant Classification Sherloc (09022015). Collection method: clinical testing. Allele origin: germline.

Blueprint Genetics
Classification: Likely benign. Last evaluated: 2024-06-17. Review status: criteria provided, single submitter. Criteria: ACMG Guidelines, 2015. Collection method: clinical testing. Allele origin: germline.

Genome-Nilou Lab
Classification: Likely benign for Developmental and epileptic encephalopathy, 18. Last evaluated: 2023-04-11. Review status: criteria provided, single submitter. Criteria: ACMG Guidelines, 2015. Collection method: clinical testing. Allele origin: germline. Affected: no.

CeGaT Center for Human Genetics Tuebingen
Classification: Likely benign. Last evaluated: 2023-04-01. Review status: criteria provided, single submitter. Criteria: CeGaT Center For Human Genetics Tuebingen Variant Classification Criteria Version 2. Collection method: clinical testing. Allele origin: germline. Affected: yes. Observed: 1 variant allele.
Comment: SZT2: BP4, BP7

Center for Genomics, Ann and Robert H. Lurie Children's Hospital of Chicago
Classification: Likely benign for Developmental and epileptic encephalopathy, 18. Last evaluated: 2022-09-15. Review status: criteria provided, single submitter. Criteria: ACMG Guidelines, 2015. Collection method: clinical testing. Allele origin: germline.
Comment: This variant has not been reported in the literature but is present in the Genome Aggregation Database (Highest reported MAF 0.01% (2/15284). This variant is present in ClinVar, with multiple labs classifying this variant as Likely benign (Variation ID:697686) Evolutionary conservation and computational predictive tools for this variant are limited or unavailable. Of note, this variant is a silent variant and does not change the amino acid, reducing the probability that this variant is disease causing. In summary, data on this variant suggests that this variant does not cause disease but requires further evidence. Therefore, this variant is classified as likely benign.

GeneDx
Classification: Likely benign. Last evaluated: 2020-10-19. Review status: criteria provided, single submitter. Criteria: GeneDx Variant Classification Process June 2021. Collection method: clinical testing. Allele origin: germline. Affected: yes.

Ambry Genetics
Classification: Likely benign for Inborn genetic diseases. Last evaluated: 2017-12-15. Review status: criteria provided, single submitter. Criteria: Ambry Variant Classification Scheme 2023. Collection method: clinical testing. Allele origin: germline.

Breakthrough Genomics
Classification: Likely benign. Review status: criteria provided, single submitter. Criteria: ACMG Guidelines, 2015. Collection method: not provided. Allele origin: germline. Inheritance: Autosomal recessive inheritance. Affected: yes.

NM_001365999.1(SZT2):c.8556A>C (p.Thr2852=)

Gene: SZT2 (SZT2 subunit of KICSTOR complex; plus strand). Cytogenetic location: 1p34.2.
Variant type: single nucleotide variant.
Coding change: c.8556A>C on transcript NM_001365999.1 (MANE Select); coding-DNA position 8556, A replaced by C.
Protein change: p.Thr2852=; no amino-acid change (threonine 2852 retained).
Molecular consequence: synonymous variant.
Genome position (GRCh38, 1-based): chr1:43,443,408, A>C. VCF-style: chr1-43443408-A-C. GRCh37 (hg19) VCF-style: chr1-43909079-A-C.
Other names: c.8385A>C, p.Thr2795= (NM_015284.4).
Identifiers: ClinVar variation 697686 (VCV000697686.40), dbSNP rs201027552, ClinGen allele CA810596.